The following is an entry in ClinVar:

ClinVar aggregate classification (germline): Uncertain significance (1 of 4 stars; one submission).

Submission:

Labcorp Genetics (formerly Invitae), Labcorp
Classification: Uncertain significance. Last evaluated: 2023-01-08. Review status: criteria provided, single submitter. Criteria: Invitae Variant Classification Sherloc (09022015). Collection method: clinical testing. Allele origin: germline.
Comment: In summary, the available evidence is currently insufficient to determine the role of this variant in disease. Therefore, it has been classified as a Variant of Uncertain Significance. Advanced modeling of protein sequence and biophysical properties (such as structural, functional, and spatial information, amino acid conservation, physicochemical variation, residue mobility, and thermodynamic stability) performed at Invitae indicates that this missense variant is expected to disrupt LRP5 protein function. This variant has not been reported in the literature in individuals affected with LRP5-related conditions. This variant is not present in population databases (gnomAD no frequency). This sequence change replaces glycine, which is neutral and non-polar, with glutamic acid, which is acidic and polar, at codon 793 of the LRP5 protein (p.Gly793Glu).

NM_002335.4(LRP5):c.2378G>A (p.Gly793Glu)

Gene: LRP5 (LDL receptor related protein 5; plus strand). Cytogenetic location: 11q13.2.
Variant type: single nucleotide variant.
Coding change: c.2378G>A on transcript NM_002335.4 (MANE Select); coding-DNA position 2378, G replaced by A.
Protein change: p.Gly793Glu; replaces glycine 793 with glutamic acid.
Molecular consequence: missense variant.
Genome position (GRCh38, 1-based): chr11:68,411,495, G>A. VCF-style: chr11-68411495-G-A. GRCh37 (hg19) VCF-style: chr11-68178963-G-A.
Other names: c.635G>A, p.Gly212Glu (NM_001291902.2); short protein forms G212E, G793E.
Identifiers: ClinVar variation 2827058 (VCV002827058.3), dbSNP rs2153167061, ClinGen allele CA381617012.